The following is an entry in ClinVar:

ClinVar aggregate classification (germline): Uncertain significance (1 of 4 stars; one submission).

Submission:

GeneDx
Classification: Uncertain significance. Last evaluated: 2024-11-26. Review status: criteria provided, single submitter. Criteria: GeneDx Variant Classification Process June 2021. Collection method: clinical testing. Allele origin: germline. Affected: yes.
Comment: Not observed at significant frequency in large population cohorts (gnomAD); In silico analysis supports that this missense variant has a deleterious effect on protein structure/function; Has not been previously published as pathogenic or benign to our knowledge

NM_138927.4(SON):c.3839C>T (p.Pro1280Leu)

Gene: SON (SON DNA and RNA binding protein; plus strand). Cytogenetic location: 21q22.11.
Variant type: single nucleotide variant.
Coding change: c.3839C>T on transcript NM_138927.4 (MANE Select); coding-DNA position 3839, C replaced by T.
Protein change: p.Pro1280Leu; replaces proline 1280 with leucine.
Molecular consequence: missense variant. On other transcripts: non-coding transcript variant (1), intron variant (1).
Genome position (GRCh38, 1-based): chr21:33,553,070, C>T. VCF-style: chr21-33553070-C-T. GRCh37 (hg19) VCF-style: chr21-34925376-C-T.
Other names: c.3839C>T, p.Pro1280Leu (NM_001291411.2, NM_032195.3); c.245-4086C>T (NM_001291412.3); short protein forms P1280L.
Identifiers: ClinVar variation 3900418 (VCV003900418.1).